The following is an entry in ClinVar:

NM_017780.4(CHD7):c.53G>A (p.Ser18Asn)

Gene: CHD7 (chromodomain helicase DNA binding protein 7; plus strand). Cytogenetic location: 8q12.2.
Variant type: single nucleotide variant.
Coding change: c.53G>A on transcript NM_017780.4 (MANE Select); coding-DNA position 53, G replaced by A.
Protein change: p.Ser18Asn; replaces serine 18 with asparagine.
Molecular consequence: missense variant.
Genome position (GRCh38, 1-based): chr8:60,741,485, G>A. VCF-style: chr8-60741485-G-A. GRCh37 (hg19) VCF-style: chr8-61654044-G-A.
Other names: c.53G>A, p.Ser18Asn (NM_001316690.1); short protein forms S18N.
Identifiers: ClinVar variation 959848 (VCV000959848.9), dbSNP rs1280305079, ClinGen allele CA371295229.

ClinVar aggregate classification (germline): Uncertain significance (1 of 4 stars; one submission).

Conditions:
CHARGE syndrome (CHARGE). Also called: Hittner Hirsch Kreh syndrome; Coloboma, heart anomaly, choanal atresia, retardation, genital and ear anomalies; CHARGE association; Hall-Hittner syndrome; CHARGE ASSOCIATION--COLOBOMA, HEART ANOMALY, CHOANAL ATRESIA, RETARDATION, GENITAL AND EAR ANOMALIES. Identifiers: Orphanet 138, MedGen C0265354, MONDO:0008965.

Allele frequency attached by ClinVar (database versions not stated): gnomAD exomes below 0.00001.
gnomAD v4.1: 1 of 1,612,358 alleles (0.000062%); highest among the groups gnomAD compares: Admixed American, 0.0017%; no homozygotes.

Submission:

Labcorp Genetics (formerly Invitae), Labcorp
Classification: Uncertain significance for CHARGE syndrome. Last evaluated: 2019-07-21. Review status: criteria provided, single submitter. Criteria: Invitae Variant Classification Sherloc (09022015). Collection method: clinical testing. Allele origin: germline.
Comment: In summary, the available evidence is currently insufficient to determine the role of this variant in disease. Therefore, it has been classified as a Variant of Uncertain Significance. This sequence change replaces serine with asparagine at codon 18 of the CHD7 protein (p.Ser18Asn). The serine residue is highly conserved and there is a small physicochemical difference between serine and asparagine. This variant is not present in population databases (ExAC no frequency). This variant has not been reported in the literature in individuals with CHD7-related conditions. Algorithms developed to predict the effect of missense changes on protein structure and function output the following: SIFT: "Tolerated"; PolyPhen-2: "Benign"; Align-GVGD: "Class C0". The asparagine amino acid residue is found in multiple mammalian species, suggesting that this missense change does not adversely affect protein function. These predictions have not been confirmed by published functional studies and their clinical significance is uncertain.